The following is an entry in ClinVar:

ClinVar aggregate classification (germline): Likely benign. Review status: criteria provided, multiple submitters, no conflicts (2 of 4 stars). 2 submissions from 2 submitters: Likely benign (2). Last evaluated 2025-07-16.

Conditions:
Primary familial hypertrophic cardiomyopathy (HCM). Identifiers: Orphanet 99739, MedGen C0949658, MeSH D024741, MONDO:0024573. Inheritance: Various modes of inheritance.

Allele frequency attached by ClinVar (database versions not stated): gnomAD 0.00001; gnomAD exomes 0.00002 and 0.00004; TOPMed 0.00002; ExAC 0.00004; ESP Exome Variant Server 0.00015.
gnomAD v4.1: 54 of 1,613,092 alleles (0.0033%); highest among the groups gnomAD compares: Non-Finnish European, 0.0043%; no homozygotes.

Submissions (2):

Labcorp Genetics (formerly Invitae), Labcorp
Classification: Likely benign for Primary familial hypertrophic cardiomyopathy. Last evaluated: 2025-07-16. Review status: criteria provided, single submitter. Criteria: Invitae Variant Classification Sherloc (09022015). Collection method: clinical testing. Allele origin: germline.

GeneDx
Classification: Likely benign. Last evaluated: 2017-05-30. Review status: criteria provided, single submitter. Criteria: GeneDx Variant Classification (06012015). Collection method: clinical testing. Allele origin: germline. Affected: yes.
Comment: This variant is considered likely benign or benign based on one or more of the following criteria: it is a conservative change, it occurs at a poorly conserved position in the protein, it is predicted to be benign by multiple in silico algorithms, and/or has population frequency not consistent with disease.

NM_004517.4(ILK):c.728+13G>A

Genes: TAF10 (TATA-box binding protein associated factor 10; minus strand), ILK (integrin linked kinase; plus strand). Cytogenetic location: 11p15.4.
Variant type: single nucleotide variant.
Coding change: c.728+13G>A on transcript NM_004517.4 (MANE Select); 13 bases into the intron after coding-DNA position 728, G replaced by A.
Molecular consequence: intron variant. On other transcripts: 3 prime UTR variant (1).
Genome position (GRCh38, 1-based): chr11:6,609,421, G>A. VCF-style: chr11-6609421-G-A. GRCh37 (hg19) VCF-style: chr11-6630652-G-A.
Other names: c.*1501C>T (NM_006284.4); c.728+13G>A (NM_001014795.3, NM_001014794.3); c.545+13G>A (NM_001278441.2); c.326+13G>A (NM_001278442.2).
Identifiers: ClinVar variation 509891 (VCV000509891.6), dbSNP rs368709206, ClinGen allele CA5858158.